The following is an entry in ClinVar:

NM_001304438.2(TMEM132E):c.2625C>T (p.Thr875=)

Gene: TMEM132E (transmembrane protein 132E; plus strand). Cytogenetic location: 17q12.
Variant type: single nucleotide variant.
Coding change: c.2625C>T on transcript NM_001304438.2 (MANE Select); coding-DNA position 2625, C replaced by T.
Protein change: p.Thr875=; no amino-acid change (threonine 875 retained).
Molecular consequence: synonymous variant.
Genome position (GRCh38, 1-based): chr17:34,637,632, C>T. VCF-style: chr17-34637632-C-T. GRCh37 (hg19) VCF-style: chr17-32964651-C-T.
Other names: c.2625C>T (NM_001304438.1).
Identifiers: ClinVar variation 2720356 (VCV002720356.4), dbSNP rs189737543, ClinGen allele CA8497010.
Genomic context (GRCh38, chr17:34,637,632, plus strand): 5'-AGGCCCGGGCACCGCCAGCCCCGTCGTGCCACCCACAGAAGACTTCCTGCCGCTGCCCAC[C>T]GGCTTCCTGCAGGTGCCACGGGGTCTGACAGACCTGGAGATCGGCATGTACGCGCTGCTG-3'
Protein context (NP_001291367.1, residues 865-885): PPTEDFLPLP[Thr875=]GFLQVPRGLT

ClinVar aggregate classification (germline): Benign/Likely benign. Review status: criteria provided, multiple submitters, no conflicts (2 of 4 stars). 2 submissions from 2 submitters: Benign (1); Likely benign (1). Last evaluated 2026-07-18.

Conditions:
TMEM132E-related disorder. Also called: TMEM132E-related condition.

Allele frequency attached by ClinVar (database versions not stated): gnomAD exomes 0.00006; gnomAD 0.00011; TOPMed 0.00012; ExAC 0.00027; 1000 Genomes Project 30x 0.00094; 1000 Genomes Project 0.00120.

Submissions (2):

PreventionGenetics, part of Exact Sciences
Classification: Likely benign for TMEM132E-related condition. Last evaluated: 2026-07-18. Review status: criteria provided, single submitter. Criteria: ACMG Guidelines, 2015. Collection method: clinical testing. Allele origin: germline.
Comment: This variant is classified as likely benign based on ACMG/AMP sequence variant interpretation guidelines (Richards et al. 2015 PMID: 25741868, with internal and published modifications).

Labcorp Genetics (formerly Invitae), Labcorp
Classification: Benign. Last evaluated: 2023-06-25. Review status: criteria provided, single submitter. Criteria: Invitae Variant Classification Sherloc (09022015). Collection method: clinical testing. Allele origin: germline.